The following is an entry in ClinVar:

NM_000169.3(GLA):c.461T>C (p.Ile154Thr)

Genes: RPL36A-HNRNPH2 (RPL36A-HNRNPH2 readthrough; plus strand), GLA (galactosidase alpha; minus strand). Cytogenetic location: Xq22.1.
Variant type: single nucleotide variant.
Coding change: c.461T>C on transcript NM_000169.3 (MANE Select); coding-DNA position 461, T replaced by C.
Protein change: p.Ile154Thr; replaces isoleucine 154 with threonine.
Molecular consequence: missense variant. On other transcripts: non-coding transcript variant (3), intron variant (2).
Genome position (GRCh38, 1-based): chrX:101,401,718, A>G on the plus strand (T>C on the coding strand, the complement: GLA is on the minus strand). VCF-style: chrX-101401718-A-G. GRCh37 (hg19) VCF-style: chrX-100656706-A-G.
Other names: c.584T>C, p.Ile195Thr (NM_001406747.1, NM_001406749.1); c.461T>C, p.Ile154Thr (NM_001406748.1); c.300+6261A>G (NM_001199973.2); c.177+9896A>G (NM_001199974.2); short protein forms I154T, I195T.
Identifiers: ClinVar variation 217385 (VCV000217385.6), dbSNP rs869312143, ClinGen allele CA353029.

ClinVar aggregate classification (germline): Uncertain significance. Review status: criteria provided, multiple submitters, no conflicts (2 of 4 stars). 5 submissions from 4 submitters: Uncertain significance (3). 2 of the submissions do not count toward it. Last evaluated 2026-09-08.

Conditions:
Fabry disease. Also called: CERAMIDE TRIHEXOSIDASE DEFICIENCY; GLA DEFICIENCY; HEREDITARY DYSTOPIC LIPIDOSIS; Ceramide trihexosidosis; Fabry's disease; Angiokeratoma corporis diffusum. Identifiers: Orphanet 324, MedGen C0002986, MONDO:0010526, OMIM 301500, HP:0001071. Disease mechanism: Fabry disease is due to inactivating mutations in the X-linked GLA gene resulting in deficiency of the enzyme Alpha Galactosidase-A., loss of function.
Migalastat response. Also called: 1-Deoxygalactonojirimycin response; Galafold response. Identifiers: MedGen CN233149.

Allele frequency attached by ClinVar (database versions not stated): gnomAD exomes below 0.00001.
gnomAD v4.1: 1 of 1,207,250 alleles (0.000083%); highest among the groups gnomAD compares: Non-Finnish European, 0.00011%; no homozygotes.

Submissions (5):

Genomenon, Inc
Classification: Uncertain significance for Fabry disease. Last evaluated: 2026-09-08. Review status: criteria provided, single submitter. Criteria: Genomenon Sequence Variant Interpretation Standards - Updated. Collection method: curation. Allele origin: germline. Affected: no.
Comment: GLA p.Ile154Thr (c.461T>C) is a missense variant that changes the amino acid at codon 154 from Isoleucine to Threonine. This variant has been reported in the published literature (PMID:26415523). It is absent or not present at a significant frequency in gnomAD. In conclusion, we classify GLA p.Ile154Thr (c.461T>C) as a variant of uncertain significance.

Myriad Genetics, Inc.
Classification: Uncertain significance for Fabry disease. Last evaluated: 2026-01-12. Review status: criteria provided, single submitter. Criteria: Myriad Autosomal Dominant, Autosomal Recessive and X-Linked Classification Criteria (2023). Collection method: clinical testing. Allele origin: unknown.
Comment: NM_000169.2(GLA):c.461T>C(I154T) is a missense variant classified as a variant of uncertain significance in the context of Fabry disease. I154T has been observed in a case with relevant disease (PMID: 26415523). Relevant functional assessments of this variant are available in the literature (PMID: 26415523). I154T has not been observed in referenced population frequency databases. In summary, there is insufficient evidence to classify NM_000169.2(GLA):c.461T>C(I154T) as pathogenic or benign. Please note: this variant was assessed in the context of healthy population screening.

Labcorp Genetics (formerly Invitae), Labcorp
Classification: Uncertain significance for Fabry disease. Last evaluated: 2024-04-08. Review status: criteria provided, single submitter. Criteria: Invitae Variant Classification Sherloc (09022015). Collection method: clinical testing. Allele origin: germline.
Comment: This sequence change replaces isoleucine, which is neutral and non-polar, with threonine, which is neutral and polar, at codon 154 of the GLA protein (p.Ile154Thr). This variant is not present in population databases (gnomAD no frequency). This variant has not been reported in the literature in individuals affected with GLA-related conditions. ClinVar contains an entry for this variant (Variation ID: 217385). Advanced modeling of protein sequence and biophysical properties (such as structural, functional, and spatial information, amino acid conservation, physicochemical variation, residue mobility, and thermodynamic stability) performed at Invitae indicates that this missense variant is not expected to disrupt GLA protein function with a negative predictive value of 80%. Experimental studies have shown that this missense change does not substantially affect GLA function (PMID: 26415523). In summary, the available evidence is currently insufficient to determine the role of this variant in disease. Therefore, it has been classified as a Variant of Uncertain Significance.

Albrecht-Kossel-Institute, Medical University Rostock
Classification: Uncertain significance for Fabry's disease. Last evaluated: 2014-01-01. Review status: no assertion criteria provided. Collection method: research. Allele origin: inherited. Not counted in ClinVar's aggregate classification.

Albrecht-Kossel-Institute, Medical University Rostock
Classification: drug response for deoxygalactonojirimycin response. Last evaluated: 2014-01-01. Review status: no assertion criteria provided. Collection method: research. Allele origin: inherited. Not counted in ClinVar's aggregate classification.

Literature cited by the submitters: PubMed 26415523 (cited by 4 submitters).